The following is an entry in ClinVar:

NM_032043.3(BRIP1):c.154A>G (p.Lys52Glu)

Gene: BRIP1 (BRCA1 interacting DNA helicase 1; minus strand). Cytogenetic location: 17q23.2.
Variant type: single nucleotide variant.
Coding change: c.154A>G on transcript NM_032043.3 (MANE Select); coding-DNA position 154, A replaced by G.
Protein change: p.Lys52Glu; replaces lysine 52 with glutamic acid.
Molecular consequence: missense variant.
Genome position (GRCh38, 1-based): chr17:61,859,847, T>C on the plus strand (A>G on the coding strand, the complement: BRIP1 is on the minus strand). VCF-style: chr17-61859847-T-C. GRCh37 (hg19) VCF-style: chr17-59937208-T-C.
Other names: short protein forms K52E.
Identifiers: ClinVar variation 4867913 (VCV004867913.1).

ClinVar aggregate classification (germline): Uncertain significance (1 of 4 stars; one submission).

Conditions:
Hereditary cancer-predisposing syndrome. Also called: Neoplastic Syndromes, Hereditary; Tumor predisposition; Hereditary Cancer Syndrome; Hereditary neoplastic syndrome. Identifiers: Orphanet 140162, MedGen C0027672, MeSH D009386, MONDO:0015356.

Submission:

Ambry Genetics
Classification: Uncertain significance for Hereditary cancer-predisposing syndrome. Last evaluated: 2026-04-12. Review status: criteria provided, single submitter. Criteria: Ambry Variant Classification Scheme 2023. Collection method: clinical testing. Allele origin: germline.
Comment: The p.K52E variant (also known as c.154A>G), located in coding exon 2 of the BRIP1 gene, results from an A to G substitution at nucleotide position 154. The lysine at codon 52 is replaced by glutamic acid, an amino acid with similar properties. This amino acid position is conserved. In addition, this alteration is predicted to be deleterious by in silico analysis. Based on the available evidence, the clinical significance of this variant remains unclear.